The following is an entry in ClinVar:

NM_000545.8(HNF1A):c.1594G>A (p.Ala532Thr)

Gene: HNF1A (HNF1 homeobox A; plus strand). Cytogenetic location: 12q24.31.
Variant type: single nucleotide variant.
Coding change: c.1594G>A on transcript NM_000545.8 (MANE Select); coding-DNA position 1594, G replaced by A.
Protein change: p.Ala532Thr; replaces alanine 532 with threonine.
Molecular consequence: missense variant.
Genome position (GRCh38, 1-based): chr12:120,999,360, G>A. VCF-style: chr12-120999360-G-A. GRCh37 (hg19) VCF-style: chr12-121437163-G-A.
Other names: c.1594G>A, p.Ala532Thr (NM_001306179.2); short protein forms A532T.
Identifiers: ClinVar variation 586787 (VCV000586787.44), dbSNP rs1421619915, ClinGen allele CA386972127.

ClinVar aggregate classification (germline): Uncertain significance. Review status: criteria provided, multiple submitters, no conflicts (2 of 4 stars). 4 submissions from 4 submitters: Uncertain significance (4). Last evaluated 2021-02-01.

Conditions:
Maturity-onset diabetes of the young (MODY). Also called: Maturity onset diabetes mellitus in young. Identifiers: Orphanet 552, MedGen C0342276, MONDO:0018911, HP:0004904.
Maturity-onset diabetes of the young type 3. Also called: MODY type 3; MODY, type III. Identifiers: Orphanet 552, MedGen C1838100, MeSH C563933, MONDO:0010894, OMIM 600496. Disease mechanism: loss of function.

Allele frequency attached by ClinVar (database versions not stated): gnomAD exomes below 0.00001; gnomAD 0.00001.
gnomAD v4.1: 12 of 1,613,816 alleles (0.00074%); highest among the groups gnomAD compares: South Asian, 0.011%; 1 homozygote.

Submissions (4):

CeGaT Center for Human Genetics Tuebingen
Classification: Uncertain significance. Last evaluated: 2021-02-01. Review status: criteria provided, single submitter. Criteria: CeGaT Center For Human Genetics Tuebingen Variant Classification Criteria Version 2. Collection method: clinical testing. Allele origin: germline. Affected: yes. Observed: 2 variant alleles.

Athena Diagnostics
Classification: Uncertain significance. Last evaluated: 2018-03-19. Review status: criteria provided, single submitter. Criteria: Athena Diagnostics Criteria. Collection method: clinical testing. Allele origin: germline.

Illumina Laboratory Services, Illumina
Classification: Uncertain significance for Maturity-onset diabetes of the young type 3. Last evaluated: 2017-04-28. Review status: criteria provided, single submitter. Criteria: ICSL Variant Classification Criteria 13 December 2019. Collection method: clinical testing. Allele origin: germline.
Comment: This variant was observed as part of a predisposition screen in an ostensibly healthy population. A literature search was performed for the gene, cDNA change, and amino acid change (where applicable). Publications were found based on this search. However, the evidence from the literature, in combination with allele frequency data from public databases where available, was not sufficient to rule this variant in or out of causing disease. Therefore, this variant is classified as a variant of unknown significance.

Clinical Genomics, Uppaluri K&H Personalized Medicine Clinic
Classification: Uncertain significance for Maturity-onset diabetes of the young. Review status: criteria provided, single submitter. Criteria: K & H Uppaluri Personalized Medicine Clinic Variant Classification & Assertion Criteria_Updated V.1. Collection method: research. Allele origin: unknown. Inheritance: Autosomal dominant inheritance.
Comment: Mutations in HNF1A gene can predispose to MODY3. It is associated with both micro and macrovascular complications of diabetes, especially cardiovascular complications. Associated with glucosuria. May respond well to sulfonylureas. However, more evidence is required to confer the association of this particular variant rs1421619915 with MODY3.

Literature cited by the submitters: PubMed 26552609 (cited by Athena Diagnostics and Illumina Laboratory Services, Illumina); PubMed 31517624 (cited by Clinical Genomics, Uppaluri K&H Personalized Medicine Clinic); PubMed 32395877 (cited by Clinical Genomics, Uppaluri K&H Personalized Medicine Clinic); PubMed 35328643 (cited by Clinical Genomics, Uppaluri K&H Personalized Medicine Clinic); PubMed 35673428 (cited by Clinical Genomics, Uppaluri K&H Personalized Medicine Clinic).